The following is an entry in ClinVar:

ClinVar aggregate classification (germline): Pathogenic/Likely pathogenic. Review status: criteria provided, multiple submitters, no conflicts (2 of 4 stars). 5 submissions from 5 submitters: Pathogenic (3); Likely pathogenic (2). Last evaluated 2024-03-06.

Conditions:
Hereditary cancer-predisposing syndrome. Also called: Tumor predisposition; Neoplastic Syndromes, Hereditary; Hereditary neoplastic syndrome; Hereditary Cancer Syndrome. Identifiers: Orphanet 140162, MedGen C0027672, MeSH D009386, MONDO:0015356.
Familial cancer of breast. Also called: Hereditary breast cancer; hereditary breast carcinoma; BREAST CANCER, FAMILIAL. Identifiers: Orphanet 227535, MedGen C0346153, MONDO:0016419, OMIM 114480. Disease mechanism: loss of function.
Ataxia-telangiectasia syndrome (AT). Also called: Ataxia-telangiectasia, complementation group D; AT, COMPLEMENTATION GROUP C; ATAXIA-TELANGIECTASIA, COMPLEMENTATION GROUP A; ATAXIA-TELANGIECTASIA, FRESNO VARIANT; Ataxia-telangiectasia; Ataxia telangiectasia (A-T). Identifiers: Orphanet 100, MedGen C0004135, MONDO:0008840, OMIM 208900.

Submissions (5):

Labcorp Genetics (formerly Invitae), Labcorp
Classification: Pathogenic for Ataxia-telangiectasia syndrome. Last evaluated: 2024-03-06. Review status: criteria provided, single submitter. Criteria: Invitae Variant Classification Sherloc (09022015). Collection method: clinical testing. Allele origin: germline.
Comment: This sequence change creates a premature translational stop signal (p.Gln3031*) in the ATM gene. While this is not anticipated to result in nonsense mediated decay, it is expected to disrupt the last 26 amino acid(s) of the ATM protein. This variant is not present in population databases (gnomAD no frequency). This premature translational stop signal has been observed in individual(s) with breast cancer (PMID: 29752822). ClinVar contains an entry for this variant (Variation ID: 920394). This variant disrupts a region of the ATM protein in which other variant(s) (p.Arg3047*) have been determined to be pathogenic (PMID: 8755918, 10980530, 18560558, 19431188, 19691550, 26628246). This suggests that this is a clinically significant region of the protein, and that variants that disrupt it are likely to be disease-causing. For these reasons, this variant has been classified as Pathogenic.

Myriad Genetics, Inc.
Classification: Pathogenic for Familial cancer of breast. Last evaluated: 2024-02-06. Review status: criteria provided, single submitter. Criteria: Myriad Autosomal Dominant, Autosomal Recessive and X-Linked Classification Criteria (2023). Collection method: clinical testing. Allele origin: unknown.
Comment: This variant is considered pathogenic. This variant creates a termination codon and is predicted to result in premature protein truncation.

Ambry Genetics
Classification: Pathogenic for Hereditary cancer-predisposing syndrome. Last evaluated: 2021-01-04. Review status: criteria provided, single submitter. Criteria: Ambry Variant Classification Scheme 2023. Collection method: clinical testing. Allele origin: germline.
Comment: The p.Q3031* pathogenic mutation (also known as c.9091C>T), located in coding exon 62 of the ATM gene, results from a C to T substitution at nucleotide position 9091. This changes the amino acid from a glutamine to a stop codon within coding exon 62. This alteration occurs at the 3' terminus of theATM gene, is not expected to trigger nonsense-mediated mRNA decay, and only impacts the last 26 amino acids of the protein. However, premature stop codons are typically deleterious in nature and the impacted region is critical for protein function (Ambry internal data). This variant was not reported in population-based cohorts in the Genome Aggregation Database (gnomAD). Based on the supporting evidence, this alteration is interpreted as a disease-causing mutation.

Color Diagnostics, LLC DBA Color Health
Classification: Likely pathogenic for Hereditary cancer-predisposing syndrome. Last evaluated: 2020-01-15. Review status: criteria provided, single submitter. Criteria: ACMG Guidelines, 2015. Collection method: clinical testing. Allele origin: germline.
Comment: This variant changes 1 nucleotide in exon 63 of the ATM gene, creating a premature translation stop signal. This variant is expected to result in an absent or non-functional protein product. This variant has not been identified in the general population by the Genome Aggregation Database (gnomAD). Loss of ATM function is a known mechanism of disease. Based on the available evidence, this variant is classified as Likely Pathogenic.

Women's Health and Genetics/Laboratory Corporation of America, LabCorp
Classification: Likely pathogenic for Familial cancer of breast. Last evaluated: 2019-06-17. Review status: criteria provided, single submitter. Criteria: LabCorp Variant Classification Summary - May 2015. Collection method: clinical testing. Allele origin: germline.
Comment: Variant summary: ATM c.9091C>T (p.Gln3031X) results in a premature termination codon, predicted to cause a truncation of the encoded protein or absence of the protein due to nonsense mediated decay, which are commonly known mechanisms for disease. There have not been any truncations downstream of this variant in our database that have been classified as pathogenic. The variant was absent in 251428 control chromosomes. c.9091C>T has been reported in the literature in an individual with a family history of breast cancer (Li_2018). These data do not allow any conclusion about variant significance. To our knowledge, no experimental evidence demonstrating an impact on protein function has been reported. No clinical diagnostic laboratories have submitted clinical-significance assessments for this variant to ClinVar after 2014. Based on the evidence outlined above, the variant was classified as likely pathogenic.

Literature cited by the submitters: PubMed 29752822 (cited by 3 submitters); PubMed 8755918 (cited by Labcorp Genetics (formerly Invitae), Labcorp); PubMed 10980530 (cited by Labcorp Genetics (formerly Invitae), Labcorp); PubMed 18560558 (cited by Labcorp Genetics (formerly Invitae), Labcorp); PubMed 19431188 (cited by Labcorp Genetics (formerly Invitae), Labcorp); PubMed 19691550 (cited by Labcorp Genetics (formerly Invitae), Labcorp); PubMed 26628246 (cited by Labcorp Genetics (formerly Invitae), Labcorp).

NM_000051.4(ATM):c.9091C>T (p.Gln3031Ter)

Genes: ATM (ATM serine/threonine kinase; plus strand), C11orf65 (chromosome 11 open reading frame 65; minus strand). Cytogenetic location: 11q22.3.
Variant type: single nucleotide variant.
Coding change: c.9091C>T on transcript NM_000051.4 (MANE Select); coding-DNA position 9091, C replaced by T.
Protein change: p.Gln3031Ter; replaces glutamine 3031 with a stop codon.
Molecular consequence: nonsense. On other transcripts: intron variant (2).
Genome position (GRCh38, 1-based): chr11:108,365,428, C>T. VCF-style: chr11-108365428-C-T. GRCh37 (hg19) VCF-style: chr11-108236155-C-T.
Other names: c.9091C>T, p.Gln3031Ter (NM_001351834.2); c.640+20492G>A (NM_001330368.2); c.694+20492G>A (NM_001351110.2); short protein forms Q3031*.
Identifiers: ClinVar variation 920394 (VCV000920394.15), dbSNP rs2091249987, ClinGen allele CA382531874.